The following is an entry in ClinVar:

NM_014915.3(ANKRD26):c.1093C>T (p.Pro365Ser)

Gene: ANKRD26 (ankyrin repeat domain 26; minus strand). Cytogenetic location: 10p12.1.
Variant type: single nucleotide variant.
Coding change: c.1093C>T on transcript NM_014915.3 (MANE Select); coding-DNA position 1093, C replaced by T.
Protein change: p.Pro365Ser; replaces proline 365 with serine.
Molecular consequence: missense variant.
Genome position (GRCh38, 1-based): chr10:27,067,271, G>A on the plus strand (C>T on the coding strand, the complement: ANKRD26 is on the minus strand). VCF-style: chr10-27067271-G-A. GRCh37 (hg19) VCF-style: chr10-27356200-G-A.
Other names: c.1093C>T, p.Pro365Ser (NM_001256053.2); short protein forms P365S.
Identifiers: ClinVar variation 4845126 (VCV004845126.1).

ClinVar aggregate classification (germline): Uncertain significance (1 of 4 stars; one submission).

Conditions:
Inborn genetic diseases. Identifiers: MedGen C0950123, MeSH D030342.

Submission:

Ambry Genetics
Classification: Uncertain significance for Inborn genetic diseases. Last evaluated: 2026-01-25. Review status: criteria provided, single submitter. Criteria: Ambry Variant Classification Scheme 2023. Collection method: clinical testing. Allele origin: germline.
Comment: The p.P365S variant (also known as c.1093C>T), located in coding exon 10 of the ANKRD26 gene, results from a C to T substitution at nucleotide position 1093. The proline at codon 365 is replaced by serine, an amino acid with similar properties. This amino acid position is conserved. In addition, this alteration is predicted to be tolerated by in silico analysis. Based on the available evidence, the clinical significance of this variant remains unclear.